The following is an entry in ClinVar:

NM_000465.4(BARD1):c.2110A>G (p.Ser704Gly)

Gene: BARD1 (BRCA1 associated RING domain 1; minus strand). Cytogenetic location: 2q35.
Variant type: single nucleotide variant.
Coding change: c.2110A>G on transcript NM_000465.4 (MANE Select); coding-DNA position 2110, A replaced by G.
Protein change: p.Ser704Gly; replaces serine 704 with glycine.
Molecular consequence: missense variant. On other transcripts: non-coding transcript variant (3).
Genome position (GRCh38, 1-based): chr2:214,728,900, T>C on the plus strand (A>G on the coding strand, the complement: BARD1 is on the minus strand). VCF-style: chr2-214728900-T-C. GRCh37 (hg19) VCF-style: chr2-215593624-T-C.
Other names: c.2053A>G, p.Ser685Gly (NM_001282543.2); c.757A>G, p.Ser253Gly (NM_001282545.2); c.700A>G, p.Ser234Gly (NM_001282548.2); c.571A>G, p.Ser191Gly (NM_001282549.2); short protein forms S704G, S191G, S685G, S234G, S253G.
Identifiers: ClinVar variation 230654 (VCV000230654.18), dbSNP rs876658687, ClinGen allele CA10577768.

ClinVar aggregate classification (germline): Uncertain significance. Review status: criteria provided, multiple submitters, no conflicts (2 of 4 stars). 4 submissions from 4 submitters: Uncertain significance (4). Last evaluated 2024-03-06.

Conditions:
Familial cancer of breast. Also called: BREAST CANCER, FAMILIAL; hereditary breast carcinoma; Hereditary breast cancer. Identifiers: Orphanet 227535, MedGen C0346153, MONDO:0016419, OMIM 114480. Disease mechanism: loss of function.
Hereditary cancer-predisposing syndrome. Also called: Neoplastic Syndromes, Hereditary; Tumor predisposition; Hereditary Cancer Syndrome; Hereditary neoplastic syndrome. Identifiers: Orphanet 140162, MedGen C0027672, MeSH D009386, MONDO:0015356.

Allele frequency attached by ClinVar (database versions not stated): gnomAD exomes below 0.00001.
gnomAD v4.1: 1 of 1,614,232 alleles (0.000062%); highest among the groups gnomAD compares: South Asian, 0.0011%; no homozygotes.

Submissions (4):

Color Diagnostics, LLC DBA Color Health
Classification: Uncertain significance for Hereditary cancer-predisposing syndrome. Last evaluated: 2024-03-06. Review status: criteria provided, single submitter. Criteria: ACMG Guidelines, 2015. Collection method: clinical testing. Allele origin: germline.
Comment: This missense variant replaces serine with glycine at codon 704 of the BARD1 protein. Computational prediction suggests that this variant may not impact protein structure and function (internally defined REVEL score threshold <= 0.5, PMID: 27666373). To our knowledge, functional studies have not been reported for this variant. This variant has not been reported in individuals affected with hereditary cancer in the literature. This variant has not been identified in the general population by the Genome Aggregation Database (gnomAD). The available evidence is insufficient to determine the role of this variant in disease conclusively. Therefore, this variant is classified as a Variant of Uncertain Significance.

Labcorp Genetics (formerly Invitae), Labcorp
Classification: Uncertain significance for Familial cancer of breast. Last evaluated: 2024-02-24. Review status: criteria provided, single submitter. Criteria: Invitae Variant Classification Sherloc (09022015). Collection method: clinical testing. Allele origin: germline.
Comment: This sequence change replaces serine, which is neutral and polar, with glycine, which is neutral and non-polar, at codon 704 of the BARD1 protein (p.Ser704Gly). This variant is not present in population databases (gnomAD no frequency). This variant has not been reported in the literature in individuals affected with BARD1-related conditions. ClinVar contains an entry for this variant (Variation ID: 230654). An algorithm developed to predict the effect of missense changes on protein structure and function (PolyPhen-2) suggests that this variant is likely to be tolerated. In summary, the available evidence is currently insufficient to determine the role of this variant in disease. Therefore, it has been classified as a Variant of Uncertain Significance.

Baylor Genetics
Classification: Uncertain significance for Familial cancer of breast. Last evaluated: 2023-05-05. Review status: criteria provided, single submitter. Criteria: ACMG Guidelines, 2015. Collection method: clinical testing. Allele origin: unknown.

Ambry Genetics
Classification: Uncertain significance for Hereditary cancer-predisposing syndrome. Last evaluated: 2015-03-02. Review status: criteria provided, single submitter. Criteria: Ambry Variant Classification Scheme 2023. Collection method: clinical testing. Allele origin: germline.
Comment: The p.S704G variant (also known as c.2110A>G), located in coding exon 11 of the BARD1 gene, results from an A to G substitution at nucleotide position 2110. The serine at codon 704 is replaced by glycine, an amino acid with similar properties. This variant was not reported in population based cohorts in the following databases: Database of Single Nucleotide Polymorphisms (dbSNP), NHLBI Exome Sequencing Project (ESP), and 1000 Genomes Project. In the ESP, this variant was not observed in 6503 samples (13006 alleles) with coverage at this position. To date, this alteration has been detected with an allele frequency of approximately 0.003% (greater than 40000 alleles tested) in our clinical cohort. This amino acid position is not well conserved in available vertebrate species. In addition, this alteration is predicted to be tolerated by in silico analysis. Since supporting evidence is limited at this time, the clinical significance of p.S704G remains unclear.